The following is an entry in ClinVar:

ClinVar aggregate classification (germline): Likely pathogenic (1 of 4 stars; one submission).

Conditions:
Birt-Hogg-Dube syndrome. Also called: Birt Hogg Dubé syndrome. Identifiers: Orphanet 122, MedGen C0346010, MONDO:0800444.

Submission:

Labcorp Genetics (formerly Invitae), Labcorp
Classification: Likely pathogenic for Birt-Hogg-Dube syndrome. Last evaluated: 2025-02-13. Review status: criteria provided, single submitter. Criteria: Invitae Variant Classification Sherloc (09022015). Collection method: clinical testing. Allele origin: germline.
Comment: This variant results in the deletion of part of exon 12 (c.1416_1432+10del) of the FLCN gene. It is expected to disrupt RNA splicing. Variants that disrupt the donor or acceptor splice site typically lead to a loss of protein function (PMID: 16199547), and loss-of-function variants in FLCN are known to be pathogenic (PMID: 15852235). This variant is not present in population databases (gnomAD no frequency). This variant has not been reported in the literature in individuals affected with FLCN-related conditions. In summary, the currently available evidence indicates that the variant is pathogenic, but additional data are needed to prove that conclusively. Therefore, this variant has been classified as Likely Pathogenic.

Literature cited by the submitters: PubMed 16199547; PubMed 15852235.

NM_144997.7(FLCN):c.1416_1432+10del

Gene: FLCN (folliculin; minus strand). Cytogenetic location: 17p11.2.
Variant type: Deletion.
Coding change: c.1416_1432+10del on transcript NM_144997.7 (MANE Select); coding-DNA position 1416 through 10 bases into the intron after coding-DNA position 1432, 27 bases deleted (TGTAGCTGCAGACCGAGGTGGGTGCCC).
Molecular consequence: splice donor variant.
Genome position (GRCh38, 1-based): chr17:17,215,175-17,215,201, GGGCACCCACCTCGGTCTGCAGCTACA deleted on the plus strand (TGTAGCTGCAGACCGAGGTGGGTGCCC on the coding strand, the reverse complement: FLCN is on the minus strand); deleting any 27 consecutive bases within chr17:17,215,175-17,215,205 gives the same sequence; the c. name uses the placement nearest the transcript's 3' end. VCF-style (leftmost placement, unchanged base first): chr17-17215174-GGGGCACCCACCTCGGTCTGCAGCTACA-G. GRCh37 (hg19) VCF-style: chr17-17118488-GGGGCACCCACCTCGGTCTGCAGCTACA-G.
Other names: c.1416_1432+10del (NM_001353231.2, NM_001353230.2); c.1470_1486+10del (NM_001353229.2).
Identifiers: ClinVar variation 4797728 (VCV004797728.1).